The following is an entry in ClinVar:

ClinVar aggregate classification (germline): Uncertain significance. Review status: criteria provided, multiple submitters, no conflicts (2 of 4 stars). 5 submissions from 5 submitters: Uncertain significance (5). Last evaluated 2025-10-14.

Conditions:
Glanzmann thrombasthenia 1 (GT1). Also called: BLEEDING DISORDER, PLATELET-TYPE, 2; GP IIb-IIIa COMPLEX DEFICIENCY; GLYCOPROTEIN COMPLEX IIb-IIIa DEFICIENCY; PLATELET FIBRINOGEN RECEPTOR DEFICIENCY. Identifiers: MedGen CN300358, MONDO:0031332, OMIM 273800.
Glanzmann thrombasthenia. Also called: THROMBASTHENIA OF GLANZMANN AND NAEGELI; PLATELET GLYCOPROTEIN IIb-IIIa DEFICIENCY; Thrombasthenia; Glanzmann's thrombasthenia. Identifiers: Orphanet 849, MedGen C0040015, MONDO:0100326.

Allele frequency attached by ClinVar (database versions not stated): TOPMed 0.00004; gnomAD 0.00005; ExAC 0.00007; gnomAD exomes 0.00008; 1000 Genomes Project 30x 0.00031; 1000 Genomes Project 0.00040.
gnomAD v4.1: 125 of 1,614,232 alleles (0.0077%); highest among the groups gnomAD compares: East Asian, 0.016%; no homozygotes.

Submissions (5):

Labcorp Genetics (formerly Invitae), Labcorp
Classification: Uncertain significance for Glanzmann thrombasthenia. Last evaluated: 2025-10-14. Review status: criteria provided, single submitter. Criteria: Invitae Variant Classification Sherloc (09022015). Collection method: clinical testing. Allele origin: germline.
Comment: This sequence change replaces aspartic acid, which is acidic and polar, with asparagine, which is neutral and polar, at codon 459 of the ITGA2B protein (p.Asp459Asn). This variant is present in population databases (rs181511536, gnomAD 0.009%). This variant has not been reported in the literature in individuals affected with ITGA2B-related conditions. ClinVar contains an entry for this variant (Variation ID: 2572652). Invitae Evidence Modeling of protein sequence and biophysical properties (such as structural, functional, and spatial information, amino acid conservation, physicochemical variation, residue mobility, and thermodynamic stability) has been performed for this missense variant. However, the output from this modeling did not meet the statistical confidence thresholds required to predict the impact of this variant on ITGA2B protein function. In summary, the available evidence is currently insufficient to determine the role of this variant in disease. Therefore, it has been classified as a Variant of Uncertain Significance.

Mayo Clinic Laboratories, Mayo Clinic
Classification: Uncertain significance. Last evaluated: 2025-03-17. Review status: criteria provided, single submitter. Criteria: ACMG Guidelines, 2015. Collection method: clinical testing. Allele origin: germline. Observed: 1 variant allele.
Comment: PP3

Women's Health and Genetics/Laboratory Corporation of America, LabCorp
Classification: Uncertain significance. Last evaluated: 2024-03-04. Review status: criteria provided, single submitter. Criteria: LabCorp Variant Classification Summary - May 2015. Collection method: clinical testing. Allele origin: germline.
Comment: Variant summary: ITGA2B c.1375G>A (p.Asp459Asn) results in a conservative amino acid change in the encoded protein sequence. Four of five in-silico tools predict a damaging effect of the variant on protein function. The variant allele was found at a frequency of 6e-05 in 251478 control chromosomes. To our knowledge, no occurrence of c.1375G>A in individuals affected with ITGA2B-Related Disorders and no experimental evidence demonstrating its impact on protein function have been reported. ClinVar contains an entry for this variant (Variation ID: 2572652). Based on the evidence outlined above, the variant was classified as uncertain significance.

CeGaT Center for Human Genetics Tuebingen
Classification: Uncertain significance. Last evaluated: 2022-11-01. Review status: criteria provided, single submitter. Criteria: CeGaT Center For Human Genetics Tuebingen Variant Classification Criteria Version 2. Collection method: clinical testing. Allele origin: germline. Affected: yes. Observed: 1 variant allele.

ISTH-SSC Genomics in Thrombosis and Hemostasis, KU Leuven, Center for Molecular and Vascular Biology
Classification: Uncertain significance for Glanzmann thrombasthenia 1. Review status: criteria provided, single submitter. Criteria: ACMG Guidelines, 2015. Collection method: clinical testing. Allele origin: germline. Affected: yes. Observed: 2 heterozygotes. Clinical features observed: bleeding, Bleeding.
Comment: Submitted to GoldVariant by Kathleen Freson, Center for Molecular and Vascular Biology, Leuven, Belgium

Literature cited by the submitters: PubMed 32757236 (cited by Mayo Clinic Laboratories, Mayo Clinic).

NM_000419.5(ITGA2B):c.1375G>A (p.Asp459Asn)

Gene: ITGA2B (integrin subunit alpha 2b; minus strand). Cytogenetic location: 17q21.31.
Variant type: single nucleotide variant.
Coding change: c.1375G>A on transcript NM_000419.5 (MANE Select); coding-DNA position 1375, G replaced by A.
Protein change: p.Asp459Asn; replaces aspartic acid 459 with asparagine.
Molecular consequence: missense variant.
Genome position (GRCh38, 1-based): chr17:44,380,897, C>T on the plus strand (G>A on the coding strand, the complement: ITGA2B is on the minus strand). VCF-style: chr17-44380897-C-T. GRCh37 (hg19) VCF-style: chr17-42458265-C-T.
Other names: p.Asp459Asn; short protein forms D459N.
Identifiers: ClinVar variation 2572652 (VCV002572652.30), dbSNP rs181511536, ClinGen allele CA8603156.